The following is an entry in ClinVar:

NM_004260.4(RECQL4):c.2060C>A (p.Ala687Glu)

Gene: RECQL4 (RecQ like helicase 4; minus strand). Cytogenetic location: 8q24.3.
Variant type: single nucleotide variant.
Coding change: c.2060C>A on transcript NM_004260.4 (MANE Select); coding-DNA position 2060, C replaced by A.
Protein change: p.Ala687Glu; replaces alanine 687 with glutamic acid.
Molecular consequence: missense variant. On other transcripts: non-coding transcript variant (2).
Genome position (GRCh38, 1-based): chr8:144,513,711, G>T on the plus strand (C>A on the coding strand, the complement: RECQL4 is on the minus strand). VCF-style: chr8-144513711-G-T. GRCh37 (hg19) VCF-style: chr8-145739095-G-T.
Other names: c.1964C>A, p.Ala655Glu (NM_001413017.1, NM_001413020.1); c.2060C>A, p.Ala687Glu (NM_001413018.1, NM_001413019.1, NM_001413036.1); c.989C>A, p.Ala330Glu (NM_001413021.1, NM_001413022.1, NM_001413023.1 and 6 more transcripts); c.1931C>A, p.Ala644Glu (NM_001413025.1); c.923C>A, p.Ala308Glu (NM_001413027.1, NM_001413030.1, NM_001413032.1 and 1 more transcripts); c.1709C>A, p.Ala570Glu (NM_001413029.1); c.791C>A, p.Ala264Glu (NM_001413031.1); c.1928C>A, p.Ala643Glu (NM_001413033.1); and 4 more; short protein forms A320E, A330E, A687E, A286E, A308E, A644E, A198E, A264E.
Identifiers: ClinVar variation 3944280 (VCV003944280.1).

ClinVar aggregate classification (germline): Uncertain significance (1 of 4 stars; one submission).

Conditions:
Inborn genetic diseases. Identifiers: MedGen C0950123, MeSH D030342.

Submission:

Ambry Genetics
Classification: Uncertain significance for Inborn genetic diseases. Last evaluated: 2025-04-12. Review status: criteria provided, single submitter. Criteria: Ambry Variant Classification Scheme 2023. Collection method: clinical testing. Allele origin: germline.
Comment: The p.A687E variant (also known as c.2060C>A), located in coding exon 13 of the RECQL4 gene, results from a C to A substitution at nucleotide position 2060. The alanine at codon 687 is replaced by glutamic acid, an amino acid with dissimilar properties. This amino acid position is conserved. In addition, this alteration is predicted to be deleterious by in silico analysis. Based on the available evidence, the clinical significance of this variant remains unclear.